The following is an entry in ClinVar:

ClinVar aggregate classification (germline): Uncertain significance (1 of 4 stars; one submission).

Conditions:
Glycine encephalopathy. Also called: Nonketotic hyperglycinemia; Non-ketotic hyperglycinemia. Identifiers: Orphanet 407, MedGen C0751748, MONDO:0011612, HP:0008288.

Allele frequency attached by ClinVar (database versions not stated): gnomAD exomes below 0.00001 and 0.00001; TOPMed below 0.00001; ExAC 0.00001.
gnomAD v4.1: 5 of 1,614,180 alleles (0.00031%); highest among the groups gnomAD compares: South Asian, 0.0044%; no homozygotes.

Submission:

Labcorp Genetics (formerly Invitae), Labcorp
Classification: Uncertain significance for Glycine encephalopathy. Last evaluated: 2023-08-04. Review status: criteria provided, single submitter. Criteria: Invitae Variant Classification Sherloc (09022015). Collection method: clinical testing. Allele origin: germline.
Comment: Advanced modeling of protein sequence and biophysical properties (such as structural, functional, and spatial information, amino acid conservation, physicochemical variation, residue mobility, and thermodynamic stability) performed at Invitae indicates that this missense variant is not expected to disrupt GLDC protein function. ClinVar contains an entry for this variant (Variation ID: 1504186). This variant has not been reported in the literature in individuals affected with GLDC-related conditions. This variant is present in population databases (rs754531832, gnomAD 0.006%). This sequence change replaces histidine, which is basic and polar, with arginine, which is basic and polar, at codon 680 of the GLDC protein (p.His680Arg). In summary, the available evidence is currently insufficient to determine the role of this variant in disease. Therefore, it has been classified as a Variant of Uncertain Significance.

NM_000170.3(GLDC):c.2039A>G (p.His680Arg)

Gene: GLDC (glycine decarboxylase; minus strand). Cytogenetic location: 9p24.1.
Variant type: single nucleotide variant.
Coding change: c.2039A>G on transcript NM_000170.3 (MANE Select); coding-DNA position 2039, A replaced by G.
Protein change: p.His680Arg; replaces histidine 680 with arginine.
Molecular consequence: missense variant.
Genome position (GRCh38, 1-based): chr9:6,558,572, T>C on the plus strand (A>G on the coding strand, the complement: GLDC is on the minus strand). VCF-style: chr9-6558572-T-C. GRCh37 (hg19) VCF-style: chr9-6558572-T-C.
Other names: short protein forms H680R.
Identifiers: ClinVar variation 1504186 (VCV001504186.8), dbSNP rs754531832, ClinGen allele CA4980432.
Genomic context (GRCh38, chr9:6,558,572, plus strand): 5'-CACTCCCCATCCCGGCCTCTCCCATCTGCTAAGGAGAAGACAAGTACCATGGCCTTGAGG[T>C]GAACTGCATCGATATTCCCATATTTATCCACCTCCACAGGCTGAATCTTCATGCCTGCCA-3'
Protein context (NP_000161.2, residues 670-690): VDKYGNIDAV[His680Arg]LKAMVDKHKE